The following is an entry in ClinVar:

ClinVar aggregate classification (germline): Pathogenic (1 of 4 stars; one submission).

Submission:

ARUP Laboratories, Molecular Genetics and Genomics, ARUP Laboratories
Classification: Pathogenic. Last evaluated: 2025-07-08. Review status: criteria provided, single submitter. Criteria: ARUP Molecular Germline Variant Investigation Process 2024. Collection method: clinical testing. Allele origin: germline.
Comment: The F8 c.3302_3303del; p.Glu1101GlyfsTer16 variant is reported in the literature in one individual with moderate hemophilia A (see F8 database link and references therein). This variant is absent from the Genome Aggregation Database (v2.1.1), indicating it is not a common polymorphism. This variant causes a frameshift by deleting two nucleotides, so it is predicted to result in a truncated protein or mRNA subject to nonsense-mediated decay. Based on available information, this variant is considered to be pathogenic. References: Link to F8 database

NM_000132.4(F8):c.3302_3303del (p.Glu1101fs)

Gene: F8 (coagulation factor VIII; minus strand). Cytogenetic location: Xq28.
Variant type: Microsatellite.
Coding change: c.3302_3303del on transcript NM_000132.4 (MANE Select); coding-DNA positions 3302 to 3303, 2 bases deleted (AG; older notation c.3302_3303delAG).
Protein change: p.Glu1101fs; shifts the reading frame from glutamic acid 1101.
Molecular consequence: frameshift variant.
Genome position (GRCh38, 1-based): chrX:154,930,487-154,930,488, CT deleted on the plus strand (AG on the coding strand, the reverse complement: F8 is on the minus strand); deleting any 2 consecutive bases within chrX:154,930,487-154,930,490 gives the same sequence; the c. name uses the placement nearest the transcript's 3' end. VCF-style (leftmost placement, unchanged base first): chrX-154930486-CCT-C. GRCh37 (hg19) VCF-style: chrX-154158761-CCT-C.
Other names: short protein forms E1101fs.
Identifiers: ClinVar variation 4685944 (VCV004685944.1).